The following is an entry in ClinVar:

NM_012062.5(DNM1L):c.445G>A (p.Gly149Arg)

Gene: DNM1L (dynamin 1L; plus strand). Cytogenetic location: 12p11.21.
Variant type: single nucleotide variant.
Coding change: c.445G>A on transcript NM_012062.5 (MANE Select); coding-DNA position 445, G replaced by A.
Protein change: p.Gly149Arg; replaces glycine 149 with arginine.
Molecular consequence: missense variant. On other transcripts: intron variant (1).
Genome position (GRCh38, 1-based): chr12:32,711,004, G>A. VCF-style: chr12-32711004-G-A. GRCh37 (hg19) VCF-style: chr12-32863938-G-A.
Other names: c.445G>A, p.Gly149Arg (NM_001278463.2, NM_005690.5, NM_012063.4); c.484G>A, p.Gly162Arg (NM_001278464.2, NM_001278465.2, NM_001330380.2); c.131+3591G>A (NM_001278466.2); short protein forms G149R, G162R.
Identifiers: ClinVar variation 2498554 (VCV002498554.28), dbSNP rs2541008058, ClinGen allele CA384367012.

ClinVar aggregate classification (germline): Likely pathogenic (1 of 4 stars; one submission).

Submission:

CeGaT Center for Human Genetics Tuebingen
Classification: Likely pathogenic. Last evaluated: 2023-02-01. Review status: criteria provided, single submitter. Criteria: CeGaT Center For Human Genetics Tuebingen Variant Classification Criteria Version 2. Collection method: clinical testing. Allele origin: germline. Affected: yes. Observed: 1 variant allele.
Comment: DNM1L: PM2, PS2:Moderate, PP2, PP3, PS4:Supporting